The following is an entry in ClinVar:

NM_004153.4(ORC1):c.271C>T (p.Arg91Ter)

Gene: ORC1 (origin recognition complex subunit 1; minus strand). Cytogenetic location: 1p32.3.
Variant type: single nucleotide variant.
Coding change: c.271C>T on transcript NM_004153.4 (MANE Select); coding-DNA position 271, C replaced by T.
Protein change: p.Arg91Ter; replaces arginine 91 with a stop codon.
Molecular consequence: nonsense.
Genome position (GRCh38, 1-based): chr1:52,397,816, G>A on the plus strand (C>T on the coding strand, the complement: ORC1 is on the minus strand). VCF-style: chr1-52397816-G-A. GRCh37 (hg19) VCF-style: chr1-52863488-G-A.
Other names: c.271C>T, p.Arg91Ter (NM_001190818.2, NM_001190819.2); short protein forms R91*.
Identifiers: ClinVar variation 3711923 (VCV003711923.2).
Genomic context (GRCh38, chr1:52,397,816, plus strand): 5'-CCTGTGCACCAGGCTTCCGGCCCAACAAATGCCGTTTACAGGCAGGGACTTCACAGAATC[G>A]GACAAACCACTGTACTCGAGCACGTTTCTTAGGAGGAGGATCAGAGTCTAGAAAGAATTT-3'

ClinVar aggregate classification (germline): Pathogenic (1 of 4 stars; one submission).

gnomAD v4.1: 17 of 1,614,066 alleles (0.0011%); highest among the groups gnomAD compares: South Asian, 0.0033%; no homozygotes.

Submission:

Labcorp Genetics (formerly Invitae), Labcorp
Classification: Pathogenic. Last evaluated: 2025-08-03. Review status: criteria provided, single submitter. Criteria: Invitae Variant Classification Sherloc (09022015). Collection method: clinical testing. Allele origin: germline.
Comment: This sequence change creates a premature translational stop signal (p.Arg91*) in the ORC1 gene. It is expected to result in an absent or disrupted protein product. Loss-of-function variants in ORC1 are known to be pathogenic (PMID: 21358633). This variant is present in population databases (rs141971656, gnomAD 0.007%). This variant has not been reported in the literature in individuals affected with ORC1-related conditions. ClinVar contains an entry for this variant (Variation ID: 3711923). For these reasons, this variant has been classified as Pathogenic.

Literature cited by the submitters: PubMed 21358633.